The following is an entry in ClinVar:

NM_173630.4(RTTN):c.3048G>A (p.Pro1016=)

Gene: RTTN (rotatin; minus strand). Cytogenetic location: 18q22.2.
Variant type: single nucleotide variant.
Coding change: c.3048G>A on transcript NM_173630.4 (MANE Select); coding-DNA position 3048, G replaced by A.
Protein change: p.Pro1016=; no amino-acid change (proline 1016 retained).
Molecular consequence: synonymous variant.
Genome position (GRCh38, 1-based): chr18:70,128,453, C>T on the plus strand (G>A on the coding strand, the complement: RTTN is on the minus strand). VCF-style: chr18-70128453-C-T. GRCh37 (hg19) VCF-style: chr18-67795689-C-T.
Other names: c.312G>A, p.Pro104= (NM_001318520.2).
Identifiers: ClinVar variation 281410 (VCV000281410.44), dbSNP rs149233888, ClinGen allele CA8995680.

ClinVar aggregate classification (germline): Conflicting classifications of pathogenicity. Review status: criteria provided, conflicting classifications (1 of 4 stars). 6 submissions from 6 submitters: Uncertain significance (1); Benign (2); Likely benign (2). 1 of the submissions does not count toward it. Last evaluated 2026-07-01.

Conditions:
RTTN-related disorder. Also called: RTTN-related condition.

Allele frequency attached by ClinVar (database versions not stated): 1000 Genomes Project 0.00140; TOPMed 0.00156; 1000 Genomes Project 30x 0.00172; gnomAD 0.00176 and 0.00177; ESP Exome Variant Server 0.00215; gnomAD exomes 0.00231 and 0.00234; ExAC 0.00234.

Submissions (6):

CeGaT Center for Human Genetics Tuebingen
Classification: Likely benign. Last evaluated: 2026-07-01. Review status: criteria provided, single submitter. Criteria: CeGaT Center For Human Genetics Tuebingen Variant Classification Criteria Version 2. Collection method: clinical testing. Allele origin: germline. Affected: yes. Observed: 19 variant alleles.
Comment: RTTN: BP4, BP7

Labcorp Genetics (formerly Invitae), Labcorp
Classification: Benign. Last evaluated: 2026-02-03. Review status: criteria provided, single submitter. Criteria: Invitae Variant Classification Sherloc (09022015). Collection method: clinical testing. Allele origin: germline.

Blueprint Genetics
Classification: Likely benign. Last evaluated: 2024-11-27. Review status: criteria provided, single submitter. Criteria: ACMG Guidelines, 2015. Collection method: clinical testing. Allele origin: germline.

GeneDx
Classification: Benign. Last evaluated: 2019-02-07. Review status: criteria provided, single submitter. Criteria: GeneDx Variant Classification Process June 2021. Collection method: clinical testing. Allele origin: germline. Affected: yes.

Eurofins Ntd Llc (ga)
Classification: Uncertain significance. Last evaluated: 2015-06-15. Review status: criteria provided, single submitter. Criteria: EGL Classification Definitions 2015. Collection method: clinical testing. Allele origin: germline. Observed: 1 variant allele, 1 heterozygote.

PreventionGenetics, part of Exact Sciences
Classification: Benign for RTTN-related condition. Last evaluated: 2019-05-14. Review status: no assertion criteria provided. Collection method: clinical testing. Allele origin: germline. Not counted in ClinVar's aggregate classification.
Comment: This variant is classified as benign based on ACMG/AMP sequence variant interpretation guidelines (Richards et al. 2015 PMID: 25741868, with internal and published modifications).